The following is an entry in ClinVar:

ClinVar aggregate classification (germline): Likely pathogenic (1 of 4 stars; one submission).

Conditions:
LAMA2-related muscular dystrophy (LAMA2-RD). Also called: Laminin alpha 2-related dystrophy. Identifiers: MedGen C5679788, MONDO:0100228.

Allele frequency attached by ClinVar (database versions not stated): gnomAD exomes below 0.00001.
gnomAD v4.1: 1 of 1,578,834 alleles (0.000063%); highest among the groups gnomAD compares: Non-Finnish European, 0.000087%; no homozygotes.

Submission:

Labcorp Genetics (formerly Invitae), Labcorp
Classification: Likely pathogenic for LAMA2-related muscular dystrophy. Last evaluated: 2023-04-19. Review status: criteria provided, single submitter. Criteria: Invitae Variant Classification Sherloc (09022015). Collection method: clinical testing. Allele origin: germline.
Comment: In summary, the currently available evidence indicates that the variant is pathogenic, but additional data are needed to prove that conclusively. Therefore, this variant has been classified as Likely Pathogenic. Algorithms developed to predict the effect of sequence changes on RNA splicing suggest that this variant may disrupt the consensus splice site. This variant has not been reported in the literature in individuals affected with LAMA2-related conditions. This variant is not present in population databases (gnomAD no frequency). This sequence change affects a donor splice site in intron 6 of the LAMA2 gene. It is expected to disrupt RNA splicing. Variants that disrupt the donor or acceptor splice site typically lead to a loss of protein function (PMID: 16199547), and loss-of-function variants in LAMA2 are known to be pathogenic (PMID: 18700894, 32904964).

Literature cited by the submitters: PubMed 16199547; PubMed 18700894; PubMed 32904964.

NM_000426.4(LAMA2):c.909+2T>A

Gene: LAMA2 (laminin subunit alpha 2; plus strand). Cytogenetic location: 6q22.33.
Variant type: single nucleotide variant.
Coding change: c.909+2T>A on transcript NM_000426.4 (MANE Select); the canonical splice donor site of the intron after coding-DNA position 909, T replaced by A.
Molecular consequence: splice donor variant.
Genome position (GRCh38, 1-based): chr6:129,147,050, T>A. VCF-style: chr6-129147050-T-A. GRCh37 (hg19) VCF-style: chr6-129468195-T-A.
Other names: c.909+2T>A (NM_001079823.2).
Identifiers: ClinVar variation 2857543 (VCV002857543.3), dbSNP rs2482596558, ClinGen allele CA365606464.